The following is an entry in ClinVar:

ClinVar aggregate classification (germline): Pathogenic/Likely pathogenic. Review status: criteria provided, multiple submitters, no conflicts (2 of 4 stars). 11 submissions from 11 submitters: Pathogenic (3); Likely pathogenic (6). 2 of the submissions do not count toward it. Last evaluated 2025-03-31.

Conditions:
Sanfilippo syndrome. Also called: Mucopolysaccharidosis type 3; Mucopolysaccharidosis Type III; Sanfilippo disease. Identifiers: Orphanet 581, MedGen C0026706, MONDO:0018937.
HGSNAT-related disorders.
Retinitis pigmentosa 73 (RP73). Identifiers: Orphanet 791, MedGen C4225287, MONDO:0014687, OMIM 616544.
Mucopolysaccharidosis, MPS-III-C (MPS3C). Also called: mucopolysaccharidosis type 3C; MPS IIIC (Sanfilippo Syndrome Type C); Mucopolysaccharidosis type IIIC (Sanfilippo C); SANFILIPPO SYNDROME C; MPS III C; MUCOPOLYSACCHARIDOSIS, TYPE IIIC. Identifiers: Orphanet 581, Orphanet 79271, MedGen C0086649, MONDO:0009657, OMIM 252930.
Retinal dystrophy. Also called: Inherited retinal dystrophy. Identifiers: Orphanet 71862, MedGen C0854723, MeSH D058499, MONDO:0019118, HP:0000556.

Allele frequency attached by ClinVar (database versions not stated): gnomAD 0.00001; gnomAD exomes 0.00001 and 0.00003; ExAC 0.00005.
gnomAD v4.1: 18 of 1,612,400 alleles (0.0011%); highest among the groups gnomAD compares: East Asian, 0.0067%; no homozygotes.

Submissions (11):

Labcorp Genetics (formerly Invitae), Labcorp
Classification: Pathogenic for Retinitis pigmentosa 73; Mucopolysaccharidosis, MPS-III-C. Last evaluated: 2025-03-31. Review status: criteria provided, single submitter. Criteria: Invitae Variant Classification Sherloc (09022015). Collection method: clinical testing. Allele origin: germline.
Comment: This sequence change replaces proline, which is neutral and non-polar, with leucine, which is neutral and non-polar, at codon 283 of the HGSNAT protein (p.Pro283Leu). This variant is present in population databases (rs121908282, gnomAD 0.02%). This missense change has been observed in individuals with Mucopolysaccharidosis IIIC (Sanfilippo C Syndrome) (PMID: 17033958, 31228227). This variant is also known as P311L. ClinVar contains an entry for this variant (Variation ID: 1232). Invitae Evidence Modeling of protein sequence and biophysical properties (such as structural, functional, and spatial information, amino acid conservation, physicochemical variation, residue mobility, and thermodynamic stability) indicates that this missense variant is expected to disrupt HGSNAT protein function with a positive predictive value of 95%. Experimental studies have shown that this missense change affects HGSNAT function (PMID: 19823584, 20583299). For these reasons, this variant has been classified as Pathogenic.

Natera, Inc.
Classification: Pathogenic for Mucopolysaccharidosis type IIIC. Last evaluated: 2024-12-09. Review status: criteria provided, single submitter. Criteria: Natera Variant Classification Schema (03/2026). Collection method: clinical testing. Allele origin: germline.
Comment: The c.848C>T variant in HGSNAT is a missense variant predicted to cause substitution of proline to leucine at amino acid 283. This variant is rare in the general population with a frequency below the threshold expected for the associated phenotype(s). This variant has been observed in one or more individuals affected with the associated recessive disease, as either homozygous or compound heterozygous with a second variant (PMID: 31228227). Computational prediction algorithms indicate this variant is likely to affect gene or protein function. Given the available evidence, this variant is classified as Pathogenic.

3billion
Classification: Likely pathogenic for Retinitis pigmentosa 73. Last evaluated: 2024-01-23. Review status: criteria provided, single submitter. Criteria: ACMG Guidelines, 2015. Collection method: clinical testing. Allele origin: germline. Affected: yes.
Comment: The variant is observed at an extremely low frequency in the gnomAD v2.1.1 dataset (total allele frequency: 0.003%). Predicted Consequence/Location: The majority of the known disease-causing variants of this gene are variants expected to result in premature termination of the protein. In silico tool predictions suggest damaging effect of the variant on gene or gene product [REVEL: 0.91 (>=0.6, sensitivity 0.68 and specificity 0.92); 3Cnet: 0.88 (>=0.6, sensitivity 0.72 and precision 0.9)]. Same nucleotide change resulting in same amino acid change has been previously reported as pathogenic/likely pathogenic with strong evidence (ClinVar ID: VCV000001232 /PMID: 17033958). A different missense change at the same codon (p.Pro283Ser) has been reported to be associated with HGSNAT related disorder (ClinVar ID: VCV001488117). Therefore, this variant is classified as Likely pathogenic according to the recommendation of ACMG/AMP guideline.

Dept Of Ophthalmology, Nagoya University
Classification: Likely pathogenic for Retinal dystrophy. Last evaluated: 2023-10-01. Review status: criteria provided, single submitter. Criteria: Submitter's publication. Collection method: research. Allele origin: germline. Affected: yes.

Women's Health and Genetics/Laboratory Corporation of America, LabCorp
Classification: Pathogenic for Sanfilippo syndrome. Last evaluated: 2023-08-18. Review status: criteria provided, single submitter. Criteria: LabCorp Variant Classification Summary - May 2015. Collection method: clinical testing. Allele origin: germline.
Comment: Variant summary: HGSNAT c.848C>T (p.Pro283Leu) results in a non-conservative amino acid change located in the catalytic domain (IPR012429) of the encoded protein sequence. Five of five in-silico tools predict a damaging effect of the variant on protein function. The variant allele was found at a frequency of 2.8e-05 in 246918 control chromosomes (gnomAD). The available data on variant occurrences in the general population are insufficient to allow any conclusion about variant significance. c.848C>T has been reported in the literature in both homozygous and compound heterozygous individuals affected with Mucopolysaccharidosis Type IIIC (Sanfilippo Syndrome C) (e.g., Hrebicek_2006, Martins_2019). These data indicate that the variant is very likely to be associated with disease. At least two publications report experimental evidence evaluating an impact on protein function, finding that the variant results in <10% of normal activity (e.g., Feldhammer_2009, Fedele_2010). The following publications have been ascertained in the context of this evaluation (PMID: 20583299, 19823584, 17033958, 31228227). Five submitters have reported clinical-significance assessments for this variant to ClinVar after 2014. All submitters classified the variant as pathogenic/likely pathogenic. Based on the evidence outlined above, the variant was classified as pathogenic.

Blueprint Genetics
Classification: Likely pathogenic for HGSNAT-related disorders. Last evaluated: 2023-03-08. Review status: criteria provided, single submitter. Criteria: ACMG Guidelines, 2015. Collection method: clinical testing. Allele origin: germline. Affected: yes. Observed: 2 variant alleles.

Fulgent Genetics
Classification: Likely pathogenic for Mucopolysaccharidosis, MPS-III-C; Retinitis pigmentosa 73. Last evaluated: 2022-02-03. Review status: criteria provided, single submitter. Criteria: ACMG Guidelines, 2015. Collection method: clinical testing. Allele origin: unknown.

GeneDx
Classification: Likely pathogenic. Last evaluated: 2017-09-26. Review status: criteria provided, single submitter. Criteria: GeneDx Variant Classification (06012015). Collection method: clinical testing. Allele origin: germline. Affected: yes.
Comment: The P283L variant in the HGSNAT gene has been reported previously, using alternate nomenclature P311L, in association with mucopolysaccharidosis IIIC, in an affected individual who was homozygous for the P283L variant, and in an affected individual who was heterozygous for the P283L variant and another HGSNAT variant (Hrebicek et al., 2006). The P283L variant is observed in 3/18754 (0.016%) alleles from individuals of East Asian background, in the ExAC dataset (Lek et al., 2016). The P283L variant is a semi-conservative amino acid substitution, which may impact secondary protein structure as these residues differ in some properties. This substitution occurs at a position that is conserved across species. Functional studies show that P283L has reduced enzyme activity compared to wild type and mislocalization due to incorrect protein folding (Feldhammer et al., 2009; Fedele et al., 2010). We interpret P283L as a likely pathogenic variant.

CeGaT Center for Human Genetics Tuebingen
Classification: Likely pathogenic. Last evaluated: 2017-03-01. Review status: criteria provided, single submitter. Criteria: CeGaT Center For Human Genetics Tuebingen Variant Classification Criteria Version 2. Collection method: clinical testing. Allele origin: germline. Affected: yes. Observed: 1 variant allele.

NIHR Bioresource Rare Diseases, University of Cambridge
Classification: Likely pathogenic for Retinal dystrophy. Last evaluated: 2015-01-01. Review status: no assertion criteria provided. Collection method: research. Allele origin: unknown. Affected: yes. Observed: 1 variant allele. Not counted in ClinVar's aggregate classification.

OMIM
Classification: Pathogenic for MUCOPOLYSACCHARIDOSIS, TYPE IIIC. Last evaluated: 2006-11-01. Review status: no assertion criteria provided. Collection method: literature only. Allele origin: germline. Not counted in ClinVar's aggregate classification.

Literature cited by the submitters: PubMed 17033958 (cited by 5 submitters); PubMed 31228227 (cited by 3 submitters); PubMed 19823584 (cited by Labcorp Genetics (formerly Invitae), Labcorp and Women's Health and Genetics/Laboratory Corporation of America, LabCorp); PubMed 20583299 (cited by Labcorp Genetics (formerly Invitae), Labcorp and Women's Health and Genetics/Laboratory Corporation of America, LabCorp); PubMed 28041643 (cited by NIHR Bioresource Rare Diseases, University of Cambridge).

NM_152419.3(HGSNAT):c.848C>T (p.Pro283Leu)

Gene: HGSNAT (heparan-alpha-glucosaminide N-acetyltransferase; plus strand). Cytogenetic location: 8p11.21.
Variant type: single nucleotide variant.
Coding change: c.848C>T on transcript NM_152419.3 (MANE Select); coding-DNA position 848, C replaced by T.
Protein change: p.Pro283Leu; replaces proline 283 with leucine.
Molecular consequence: missense variant. On other transcripts: intron variant (2).
Genome position (GRCh38, 1-based): chr8:43,173,740, C>T. VCF-style: chr8-43173740-C-T. GRCh37 (hg19) VCF-style: chr8-43028883-C-T.
Other names: P311L; c.848C>T, p.Pro283Leu (NM_001363227.2); c.-14+1354C>T (NM_001363229.2); c.820+1354C>T (NM_001363228.2); short protein forms P283L.
Identifiers: ClinVar variation 1232 (VCV000001232.56), dbSNP rs121908282, ClinGen allele CA114863.
Genomic context (GRCh38, chr8:43,173,740, plus strand): 5'-TCCTTTTGCTTATGCTTTGTACTTGTTCTGCAGGGCTGACAGTGGCTGACCTCGTGTTCC[C>T]GTGGTGAGTTGCCGGTCTGCCCTCTTCTCTTCCACGGGTTGACTCCAATCTCCTGTTTTT-3'
Protein context (NP_689632.2, residues 273-293): NGLTVADLVF[Pro283Leu]WFVFIMGSSI